The following is an entry in ClinVar:

ClinVar aggregate classification (germline): Likely pathogenic (1 of 4 stars; one submission).

Conditions:
Intellectual disability, X-linked 102 (MRXSSB). Also called: Intellectual developmental disorder, X-linked syndromic, Snijders Blok type. Identifiers: Orphanet 457260, MedGen C5393299, MONDO:0010497, OMIM 300958.

Submission:

Broad Center for Mendelian Genomics, Broad Institute of MIT and Harvard
Classification: Likely pathogenic for Intellectual disability, X-linked 102. Last evaluated: 2022-08-25. Review status: criteria provided, single submitter. Criteria: ACMG Guidelines, 2015. Collection method: curation. Allele origin: germline. Inheritance: X-linked inheritance. Affected: yes.
Comment: Trio exome analysis showed this variant to be de novo. The p.Tyr200Cys variant in DDX3X has not been previously reported in individuals with neurodevelopmental disorders and was absent from large population studies. Computational prediction tools and conservation analyses suggest that this variant may impact the protein, though this information is not predictive enough to determine pathogenicity. The number of missense variants reported in DDX3X in the general population is lower than expected, suggesting there is little benign variation in this gene and slightly increasing the possibility that a missense variant in this gene may not be tolerated. In summary, although additional studies are required to fully establish its clinical significance, this variant is likely pathogenic for X-linked intellectual disability. ACMG/AMP Criteria applied: PP3_moderate, PS2_moderate, PP2, PM2_supporting (Richards 2015).

NM_001356.5(DDX3X):c.599A>G (p.Tyr200Cys)

Gene: DDX3X (DEAD-box helicase 3 X-linked; plus strand). Cytogenetic location: Xp11.4.
Variant type: single nucleotide variant.
Coding change: c.599A>G on transcript NM_001356.5 (MANE Select); coding-DNA position 599, A replaced by G.
Protein change: p.Tyr200Cys; replaces tyrosine 200 with cysteine.
Molecular consequence: missense variant. On other transcripts: non-coding transcript variant (1).
Genome position (GRCh38, 1-based): chrX:41,343,271, A>G. VCF-style: chrX-41343271-A-G. GRCh37 (hg19) VCF-style: chrX-41202524-A-G.
Other names: NM_001356.5:c.599A>G; c.599A>G, p.Tyr200Cys (NM_001193416.3); c.551A>G, p.Tyr184Cys (NM_001193417.3); c.41A>G, p.Tyr14Cys (NM_001363819.1); short protein forms Y14C, Y184C, Y200C.
Identifiers: ClinVar variation 1703239 (VCV001703239.1), dbSNP rs2519511204, ClinGen allele CA412767968.